The following is an entry in ClinVar:

ClinVar aggregate classification (germline): Uncertain significance. Review status: criteria provided, multiple submitters, no conflicts (2 of 4 stars). 2 submissions from 2 submitters: Uncertain significance (2). Last evaluated 2023-06-13.

Conditions:
Inborn genetic diseases. Identifiers: MedGen C0950123, MeSH D030342.

gnomAD v4.1: 4 of 1,614,208 alleles (0.00025%); highest among the groups gnomAD compares: Middle Eastern, 0.016%; no homozygotes.

Submissions (2):

Ambry Genetics
Classification: Uncertain significance for Inborn genetic diseases. Last evaluated: 2023-06-13. Review status: criteria provided, single submitter. Criteria: Ambry Variant Classification Scheme 2023. Collection method: clinical testing. Allele origin: germline.

Labcorp Genetics (formerly Invitae), Labcorp
Classification: Uncertain significance. Last evaluated: 2022-05-08. Review status: criteria provided, single submitter. Criteria: Invitae Variant Classification Sherloc (09022015). Collection method: clinical testing. Allele origin: germline.
Comment: This sequence change replaces methionine, which is neutral and non-polar, with threonine, which is neutral and polar, at codon 475 of the DBR1 protein (p.Met475Thr). This variant is not present in population databases (gnomAD no frequency). In summary, the available evidence is currently insufficient to determine the role of this variant in disease. Therefore, it has been classified as a Variant of Uncertain Significance. Algorithms developed to predict the effect of missense changes on protein structure and function are either unavailable or do not agree on the potential impact of this missense change (SIFT: "Deleterious"; PolyPhen-2: "Possibly Damaging"; Align-GVGD: "Class C0"). This variant has not been reported in the literature in individuals affected with DBR1-related conditions.

NM_016216.4(DBR1):c.1424T>C (p.Met475Thr)

Gene: DBR1 (debranching RNA lariats 1; minus strand). Cytogenetic location: 3q22.3.
Variant type: single nucleotide variant.
Coding change: c.1424T>C on transcript NM_016216.4 (MANE Select); coding-DNA position 1424, T replaced by C.
Protein change: p.Met475Thr; replaces methionine 475 with threonine.
Molecular consequence: missense variant.
Genome position (GRCh38, 1-based): chr3:138,162,100, A>G on the plus strand (T>C on the coding strand, the complement: DBR1 is on the minus strand). VCF-style: chr3-138162100-A-G. GRCh37 (hg19) VCF-style: chr3-137880942-A-G.
Other names: c.1424T>C (NM_016216.3); short protein forms M475T.
Identifiers: ClinVar variation 2135482 (VCV002135482.6), dbSNP rs2472959887, ClinGen allele CA354669475.